The following is an entry in ClinVar:

NM_000304.4(PMP22):c.290A>G (p.Tyr97Cys)

Gene: PMP22 (peripheral myelin protein 22; minus strand). Cytogenetic location: 17p12.
Variant type: single nucleotide variant.
Coding change: c.290A>G on transcript NM_000304.4 (MANE Select); coding-DNA position 290, A replaced by G.
Protein change: p.Tyr97Cys; replaces tyrosine 97 with cysteine.
Molecular consequence: missense variant. On other transcripts: non-coding transcript variant (2).
Genome position (GRCh38, 1-based): chr17:15,239,500, T>C on the plus strand (A>G on the coding strand, the complement: PMP22 is on the minus strand). VCF-style: chr17-15239500-T-C. GRCh37 (hg19) VCF-style: chr17-15142817-T-C.
Other names: c.290A>G, p.Tyr97Cys (NM_001281455.2, NM_001281456.2, NM_001330143.2 and 2 more transcripts); short protein forms Y97C.
Identifiers: ClinVar variation 4743178 (VCV004743178.1).

ClinVar aggregate classification (germline): Uncertain significance (1 of 4 stars; one submission).

Conditions:
Charcot-Marie-Tooth disease, type I (CMT1). Also called: Charcot-Marie-Tooth, Type 1; Charcot-Marie-Tooth disease type 1. Identifiers: Orphanet 65753, MedGen C0751036, MONDO:0019011.

Submission:

Labcorp Genetics (formerly Invitae), Labcorp
Classification: Uncertain significance for Charcot-Marie-Tooth disease, type I. Last evaluated: 2025-03-18. Review status: criteria provided, single submitter. Criteria: Invitae Variant Classification Sherloc (09022015). Collection method: clinical testing. Allele origin: germline.
Comment: This sequence change replaces tyrosine, which is neutral and polar, with cysteine, which is neutral and slightly polar, at codon 97 of the PMP22 protein (p.Tyr97Cys). This variant is not present in population databases (gnomAD no frequency). This variant has not been reported in the literature in individuals affected with PMP22-related conditions. Invitae Evidence Modeling of protein sequence and biophysical properties (such as structural, functional, and spatial information, amino acid conservation, physicochemical variation, residue mobility, and thermodynamic stability) indicates that this missense variant is expected to disrupt PMP22 protein function with a positive predictive value of 95%. In summary, the available evidence is currently insufficient to determine the role of this variant in disease. Therefore, it has been classified as a Variant of Uncertain Significance.